The following is an entry in ClinVar:

NM_000051.4(ATM):c.6239_6240del (p.Tyr2080fs)

Genes: ATM (ATM serine/threonine kinase; plus strand), C11orf65 (chromosome 11 open reading frame 65; minus strand). Cytogenetic location: 11q22.3.
Variant type: Deletion.
Coding change: c.6239_6240del on transcript NM_000051.4 (MANE Select); coding-DNA positions 6239 to 6240, 2 bases deleted (AT; older notation c.6239_6240delAT).
Protein change: p.Tyr2080fs; shifts the reading frame from tyrosine 2080.
Molecular consequence: frameshift variant. On other transcripts: intron variant (2).
Genome position (GRCh38, 1-based): chr11:108,317,413-108,317,414, AT deleted; deleting any 2 consecutive bases within chr11:108,317,412-108,317,414 gives the same sequence; the c. name uses the placement nearest the transcript's 3' end. VCF-style (leftmost placement, unchanged base first): chr11-108317411-CTA-C. GRCh37 (hg19) VCF-style: chr11-108188138-CTA-C.
Other names: c.6239_6240del, p.Tyr2080fs (NM_001351834.2); c.641-8342_641-8341del (NM_001330368.2); c.*39-8342_*39-8341del (NM_001351110.2); short protein forms Y2080fs.
Identifiers: ClinVar variation 236749 (VCV000236749.11), dbSNP rs878853529, ClinGen allele CA10582837.
Genomic context (GRCh38, chr11:108,317,411, plus strand): 5'-AAACAAAATAACTCCTGTTTAGGCCTTGCAGAATTTGGGACTCTGCCATATTCTTTCCGT[CTA>C]TTTAAAAGGATTGGATTATGAAAATAAAGACTGGTGTCCTGAACTAGAAGAACTTCATTA-3'

ClinVar aggregate classification (germline): Pathogenic. Review status: criteria provided, multiple submitters, no conflicts (2 of 4 stars). 2 submissions from 2 submitters: Pathogenic (2). Last evaluated 2025-01-16.

Conditions:
Hereditary cancer-predisposing syndrome. Also called: Neoplastic Syndromes, Hereditary; Hereditary neoplastic syndrome; Tumor predisposition; Hereditary Cancer Syndrome. Identifiers: Orphanet 140162, MedGen C0027672, MeSH D009386, MONDO:0015356.
Ataxia-telangiectasia syndrome (AT). Also called: Ataxia telangiectasia (A-T); Cerebello-oculocutaneous telangiectasia; Immunodeficiency with ataxia telangiectasia; LOUIS-BAR SYNDROME; AT, COMPLEMENTATION GROUP C; ATAXIA-TELANGIECTASIA, FRESNO VARIANT. Identifiers: Orphanet 100, MedGen C0004135, MONDO:0008840, OMIM 208900.

Submissions (2):

Ambry Genetics
Classification: Pathogenic for Hereditary cancer-predisposing syndrome. Last evaluated: 2025-01-16. Review status: criteria provided, single submitter. Criteria: Ambry Variant Classification Scheme 2023. Collection method: clinical testing. Allele origin: germline.
Comment: The c.6239_6240delAT pathogenic mutation, located in coding exon 42 of the ATM gene, results from a deletion of two nucleotides at nucleotide positions 6239 to 6240, causing a translational frameshift with a predicted alternate stop codon (p.Y2080Ffs*7). This variant was identified in an individual with a personal history of breast cancer and a family history of breast, prostate, pancreatic, and other cancers (Pal T et al. Genet Med, 2025 Jan;27:101243). This variant is considered to be rare based on population cohorts in the Genome Aggregation Database (gnomAD). In addition to the clinical data presented in the literature, this alteration is expected to result in loss of function by premature protein truncation or nonsense-mediated mRNA decay. As such, this alteration is interpreted as a disease-causing mutation.

Labcorp Genetics (formerly Invitae), Labcorp
Classification: Pathogenic for Ataxia-telangiectasia syndrome. Last evaluated: 2016-02-18. Review status: criteria provided, single submitter. Criteria: Invitae Variant Classification Sherloc (09022015). Collection method: clinical testing. Allele origin: germline.
Comment: This sequence change deletes 2 nucleotides in exon 43 of the ATM mRNA (c.6239_6240delAT), causing a frameshift at codon 2080. This creates a premature translational stop signal (p.Tyr2080Phefs*7) and is expected to result in an absent or disrupted protein product. For these reasons, this variant has been classified as Pathogenic. While this particular variant has not been reported in the literature, truncating variants in ATM are known to be pathogenic (PMID: 10817650, 19781682).

Literature cited by the submitters: PubMed 39636577 (cited by Ambry Genetics); PubMed 10817650 (cited by Labcorp Genetics (formerly Invitae), Labcorp); PubMed 19781682 (cited by Labcorp Genetics (formerly Invitae), Labcorp).